The following is an entry in ClinVar:

NM_000088.4(COL1A1):c.595C>T (p.Gln199Ter)

Gene: COL1A1 (collagen type I alpha 1 chain; minus strand). Cytogenetic location: 17q21.33.
Variant type: single nucleotide variant.
Coding change: c.595C>T on transcript NM_000088.4 (MANE Select); coding-DNA position 595, C replaced by T.
Protein change: p.Gln199Ter; replaces glutamine 199 with a stop codon.
Molecular consequence: nonsense.
Genome position (GRCh38, 1-based): chr17:50,197,996, G>A on the plus strand (C>T on the coding strand, the complement: COL1A1 is on the minus strand). VCF-style: chr17-50197996-G-A. GRCh37 (hg19) VCF-style: chr17-48275357-G-A.
Other names: short protein forms Q199*.
Identifiers: ClinVar variation 1073168 (VCV001073168.10), dbSNP rs2144587073, ClinGen allele CA400225347.

ClinVar aggregate classification (germline): Pathogenic. Review status: criteria provided, multiple submitters, no conflicts (2 of 4 stars). 3 submissions from 3 submitters: Pathogenic (3). Last evaluated 2026-08-21.

Conditions:
Osteogenesis imperfecta type I (OI1). Also called: OI, TYPE I; OSTEOGENESIS IMPERFECTA TARDA; OSTEOGENESIS IMPERFECTA WITH BLUE SCLERAE; Classic Non-deforming Osteogenesis Imperfecta with Blue Sclerae; Lobstein disease; Osteogenesis imperfecta type 1. Identifiers: Orphanet 216796, Orphanet 666, MedGen C0023931, MONDO:0008146, OMIM 166200. Disease mechanism: loss of function.

Submissions (3):

Institute of Human Genetics, Heidelberg University
Classification: Pathogenic for Osteogenesis imperfecta type I. Last evaluated: 2026-08-21. Review status: criteria provided, single submitter. Criteria: ACMG Guidelines, 2015. Collection method: clinical testing. Allele origin: de novo. Affected: yes. Observed: 1 variant allele.
Comment: PVS1_vs, PM2_supp, PS2_strong

Labcorp Genetics (formerly Invitae), Labcorp
Classification: Pathogenic for Osteogenesis imperfecta type I. Last evaluated: 2024-05-26. Review status: criteria provided, single submitter. Criteria: Invitae Variant Classification Sherloc (09022015). Collection method: clinical testing. Allele origin: germline.
Comment: This sequence change creates a premature translational stop signal (p.Gln199*) in the COL1A1 gene. It is expected to result in an absent or disrupted protein product. Loss-of-function variants in COL1A1 are known to be pathogenic (PMID: 7942841, 9295084, 9443882). This variant is not present in population databases (gnomAD no frequency). This variant has not been reported in the literature in individuals affected with COL1A1-related conditions. ClinVar contains an entry for this variant (Variation ID: 1073168). For these reasons, this variant has been classified as Pathogenic.

GeneDx
Classification: Pathogenic. Last evaluated: 2019-07-30. Review status: criteria provided, single submitter. Criteria: GeneDx Variant Classification Process June 2021. Collection method: clinical testing. Allele origin: germline. Affected: yes.
Comment: Nonsense variant predicted to result in protein truncation or nonsense mediated decay in a gene for which loss-of-function is a known mechanism of disease; Not observed in large population cohorts (Lek et al., 2016); Has not been previously published as pathogenic or benign to our knowledge

Literature cited by the submitters: PubMed 7942841 (cited by Labcorp Genetics (formerly Invitae), Labcorp); PubMed 9295084 (cited by Labcorp Genetics (formerly Invitae), Labcorp); PubMed 9443882 (cited by Labcorp Genetics (formerly Invitae), Labcorp).